The following is an entry in ClinVar:

NM_001035.3(RYR2):c.12458G>C (p.Ser4153Thr)

Genes: RYR2 (ryanodine receptor 2; plus strand), LOC126806068 (BRD4-independent group 4 enhancer GRCh37_chr1:237947411-237948610; plus strand). Cytogenetic location: 1q43.
Variant type: single nucleotide variant.
Coding change: c.12458G>C on transcript NM_001035.3 (MANE Select); coding-DNA position 12458, G replaced by C.
Protein change: p.Ser4153Thr; replaces serine 4153 with threonine.
Molecular consequence: missense variant.
Genome position (GRCh38, 1-based): chr1:237,784,170, G>C. VCF-style: chr1-237784170-G-C. GRCh37 (hg19) VCF-style: chr1-237947470-G-C.
Other names: short protein forms S4153T.
Identifiers: ClinVar variation 1484959 (VCV001484959.5), dbSNP rs999437630, ClinGen allele CA39827643.
Genomic context (GRCh38, chr1:237,784,170, plus strand): 5'-TGGGCCGCATCGAAATCATGGGAAGCGCCAAACGCATCGAGAGGGTCTATTTTGAAATCA[G>C]TGAGTCCAGCCGAACCCAGTGGGAGAAGCCCCAGGTCAAGGAGTCCAAAAGACAGTTCAT-3'
Protein context (NP_001026.2, residues 4143-4163): KRIERVYFEI[Ser4153Thr]ESSRTQWEKP

ClinVar aggregate classification (germline): Conflicting classifications of pathogenicity. Review status: criteria provided, conflicting classifications (1 of 4 stars). 2 submissions from 2 submitters: Likely pathogenic (1); Uncertain significance (1). Last evaluated 2026-08-06.

Conditions:
Catecholaminergic polymorphic ventricular tachycardia 1. Also called: VENTRICULAR TACHYCARDIA, CATECHOLAMINERGIC POLYMORPHIC, 1, WITH OR WITHOUT ATRIAL DYSFUNCTION AND/OR DILATED CARDIOMYOPATHY; RYR2-Related Catecholaminergic Polymorphic Ventricular Tachycardia; VENTRICULAR TACHYCARDIA, STRESS-INDUCED POLYMORPHIC 1. Identifiers: Orphanet 3286, MedGen C1631597, MONDO:0011484, OMIM 604772.

Allele frequency attached by ClinVar (database versions not stated): gnomAD exomes below 0.00001.
gnomAD v4.1: 3 of 1,614,024 alleles (0.00019%); no homozygotes.

Submissions (2):

OLLIN Analises Genomicas, OLLIN
Classification: Likely pathogenic for Catecholaminergic polymorphic ventricular tachycardia 1. Last evaluated: 2026-08-06. Review status: criteria provided, single submitter. Criteria: ACMG Guidelines 2015 PMID 25741868. Collection method: clinical testing. Allele origin: germline. Inheritance: Autosomal dominant inheritance.
Comment: This missense variant, located in exon 90 (of 105), has been reported in ClinVar (accession VCV001484959.4) and in gnomAD with an allele frequency of 0.00019%. However, to our knowledge, it has not been reported in the scientific literature. In silico analysis is inconclusive regarding the impact of this variant. This variant is located in a region considered to be a mutational hotspot. Another pathogenic variant affecting the same amino acid residue has been reported. This gene is constrained for missense variation. According to the currently available evidence, this variant has been classified as likely pathogenic (PM1, PM2_P, PM5, PP2).

Labcorp Genetics (formerly Invitae), Labcorp
Classification: Uncertain significance for Catecholaminergic polymorphic ventricular tachycardia 1. Last evaluated: 2021-08-12. Review status: criteria provided, single submitter. Criteria: Invitae Variant Classification Sherloc (09022015). Collection method: clinical testing. Allele origin: germline.
Comment: This sequence change replaces serine with threonine at codon 4153 of the RYR2 protein (p.Ser4153Thr). The serine residue is highly conserved and there is a small physicochemical difference between serine and threonine. This variant is not present in population databases (ExAC no frequency). This variant has not been reported in the literature in individuals affected with RYR2-related conditions. Advanced modeling of protein sequence and biophysical properties (such as structural, functional, and spatial information, amino acid conservation, physicochemical variation, residue mobility, and thermodynamic stability) performed at Invitae indicates that this missense variant is expected to disrupt RYR2 protein function. This variant disrupts the p.Ser4153 amino acid residue in RYR2. Other variant(s) that disrupt this residue have been observed in individuals with RYR2-related conditions (PMID: 21652165, 26114861), which suggests that this may be a clinically significant amino acid residue. In summary, the available evidence is currently insufficient to determine the role of this variant in disease. Therefore, it has been classified as a Variant of Uncertain Significance.

Literature cited by the submitters: PubMed 21652165 (cited by Labcorp Genetics (formerly Invitae), Labcorp); PubMed 26114861 (cited by Labcorp Genetics (formerly Invitae), Labcorp).